The following is an entry in ClinVar:

NM_001195626.3(MLLT10):c.1140A>G (p.Ser380=)

Gene: MLLT10 (MLLT10 histone lysine methyltransferase DOT1L cofactor; plus strand). Cytogenetic location: 10p12.31.
Variant type: single nucleotide variant.
Coding change: c.1140A>G on transcript NM_001195626.3 (MANE Select); coding-DNA position 1140, A replaced by G.
Protein change: p.Ser380=; no amino-acid change (serine 380 retained).
Molecular consequence: synonymous variant. On other transcripts: non-coding transcript variant (1).
Genome position (GRCh38, 1-based): chr10:21,673,438, A>G. VCF-style: chr10-21673438-A-G. GRCh37 (hg19) VCF-style: chr10-21962367-A-G.
Other names: c.405A>G, p.Ser135= (NM_001324297.2); c.1140A>G, p.Ser380= (NM_004641.4).
Identifiers: ClinVar variation 3025663 (VCV003025663.22), dbSNP rs141375541, ClinGen allele CA5434760.

ClinVar aggregate classification (germline): Likely benign (1 of 4 stars; one submission).

Allele frequency attached by ClinVar (database versions not stated): ESP Exome Variant Server 0.00008.
gnomAD v4.1: 159 of 1,613,240 alleles (0.0099%); highest among the groups gnomAD compares: Non-Finnish European, 0.013%; no homozygotes.

Submission:

CeGaT Center for Human Genetics Tuebingen
Classification: Likely benign. Last evaluated: 2023-12-01. Review status: criteria provided, single submitter. Criteria: CeGaT Center For Human Genetics Tuebingen Variant Classification Criteria Version 2. Collection method: clinical testing. Allele origin: germline. Affected: yes. Observed: 1 variant allele.
Comment: MLLT10: BP4, BP7